The following is an entry in ClinVar:

NM_006397.3(RNASEH2A):c.206dup (p.Thr70fs)

Gene: RNASEH2A (ribonuclease H2 subunit A; plus strand). Cytogenetic location: 19p13.13.
Variant type: Duplication.
Coding change: c.206dup on transcript NM_006397.3 (MANE Select); coding-DNA position 206, one base duplicated (A; older notation c.206dupA).
Protein change: p.Thr70fs; shifts the reading frame from threonine 70.
Molecular consequence: frameshift variant.
Genome position (GRCh38, 1-based): chr19:12,807,212, A duplicated; the last of 3 consecutive A bases (chr19:12,807,210-12,807,212); duplicating any one gives the same sequence. VCF-style (leftmost placement, unchanged base first): chr19-12807209-C-CA. GRCh37 (hg19) VCF-style: chr19-12918023-C-CA.
Other names: c.206dupA (NM_006397.2, NM_006397.3); short protein forms T70fs.
Identifiers: ClinVar variation 632305 (VCV000632305.34), dbSNP rs549586181, ClinGen allele CA9231796.

ClinVar aggregate classification (germline): Pathogenic/Likely pathogenic. Review status: criteria provided, multiple submitters, no conflicts (2 of 4 stars). 12 submissions from 12 submitters: Pathogenic (8); Likely pathogenic (1). 3 of the submissions do not count toward it. Last evaluated 2026-03-04.

Conditions:
RNASEH2A-related disorder. Also called: RNASEH2A-related condition.
Aicardi-Goutieres syndrome 4. Identifiers: Orphanet 51, MedGen C1835912, MONDO:0012472, OMIM 610333.
Aicardi Goutieres syndrome (AGS). Also called: Encephalopathy, familial infantile, with calcification of basal ganglia and chronic cerebrospinal fluid lymphocytosis. Identifiers: Orphanet 51, MedGen C0393591, MONDO:0018866.
RNASEH2A-related type 1 interferonopathy. Identifiers: MedGen CN377545, MONDO:0700259.

Submissions (12):

Women's Health and Genetics/Laboratory Corporation of America, LabCorp
Classification: Pathogenic for Aicardi Goutieres syndrome. Last evaluated: 2026-03-04. Review status: criteria provided, single submitter. Criteria: LabCorp Variant Classification Summary - May 2015. Collection method: clinical testing. Allele origin: germline.
Comment: Variant summary: RNASEH2A c.206dupA (p.Thr70AspfsX50) results in a premature termination codon, predicted to cause a truncation of the encoded protein or absence of the protein due to nonsense mediated decay, which are commonly known mechanisms for disease. The variant allele was found at a frequency of 9.9e-05 in 251462 control chromosomes (gnomAD). This frequency is not significantly higher than estimated for disease-causing variants in RNASEH2A, allowing no conclusion about variant significance. c.206dupA has been reported in the literature as a homozygous genotype in at-least one individual affected with Aicardi Goutieres Syndrome (Rice_2013). These data indicate that the variant may be associated with disease. To our knowledge, no experimental evidence demonstrating an impact on protein function has been reported. The following publications have been ascertained in the context of this evaluation (PMID: 25604658, 24183309). ClinVar contains an entry for this variant (Variation ID: 632305). Based on the evidence outlined above, the variant was classified as pathogenic.

Labcorp Genetics (formerly Invitae), Labcorp
Classification: Pathogenic for Aicardi-Goutieres syndrome 4. Last evaluated: 2026-01-31. Review status: criteria provided, single submitter. Criteria: Invitae Variant Classification Sherloc (09022015). Collection method: clinical testing. Allele origin: germline.
Comment: This sequence change creates a premature translational stop signal (p.Thr70Aspfs*50) in the RNASEH2A gene. It is expected to result in an absent or disrupted protein product. Loss-of-function variants in RNASEH2A are known to be pathogenic (PMID: 21454563, 25274781). This variant is present in population databases (rs549586181, gnomAD 0.2%). This premature translational stop signal has been observed in individual(s) with Aicardi-Goutieres syndrome (PMID: 24183309). ClinVar contains an entry for this variant (Variation ID: 632305). For these reasons, this variant has been classified as Pathogenic.

GeneDx
Classification: Pathogenic. Last evaluated: 2025-08-02. Review status: criteria provided, single submitter. Criteria: GeneDx Variant Classification Process June 2021. Collection method: clinical testing. Allele origin: germline. Affected: yes.
Comment: Identified with a second variant in a patient with global developmental delay, encephalopathy, early onset moyamoya, transaminitis, and other metabolic abnormalities in the published literature (PMID: 37855872); Frameshift variant predicted to result in protein truncation or nonsense mediated decay in a gene for which loss of function is a known mechanism of disease; This variant is associated with the following publications: (PMID: 35532072, 27943079, 24183309, 37556020, 37855872, 25604658)

Fulgent Genetics
Classification: Pathogenic for Aicardi-Goutieres syndrome 4. Last evaluated: 2024-03-13. Review status: criteria provided, single submitter. Criteria: ACMG Guidelines, 2015. Collection method: clinical testing. Allele origin: germline.

Blueprint Genetics
Classification: Pathogenic for RNASEH2A-related disorders. Last evaluated: 2023-07-17. Review status: criteria provided, single submitter. Criteria: ACMG Guidelines, 2015. Collection method: clinical testing. Allele origin: germline. Affected: yes. Observed: 4 variant alleles.

Department of Pathology and Laboratory Medicine, Sinai Health System
Classification: Pathogenic for RNASEH2A-related type 1 interferonopathy. Last evaluated: 2023-02-07. Review status: criteria provided, single submitter. Criteria: ACMG Guidelines, 2015. Collection method: research. Allele origin: germline.

Dasa
Classification: Pathogenic for Aicardi-Goutieres syndrome 4. Last evaluated: 2022-08-10. Review status: criteria provided, single submitter. Criteria: ACMG Guidelines, 2015. Collection method: clinical testing. Allele origin: germline. Affected: yes. Observed: 1 variant allele.
Comment: The c.206dup;p.(Thr70Aspfs*50) is a null frameshift variant (NMD) in the RNASEH2A gene and predicts alteration of the nonsense-mediate decay - NMD is present in a relevant exon to the transcript - PVS1.This sequence change has been observed in affected individual(s) and ClinVar contains an entry for this variant(ClinVar: 632305; PMID: 24183309) - PS4. The variant is present at low allele frequencies population databases (rs549586181 – gnomAD 0.004273%; ABraOM no frequency) -PM2_supporting.The p.(Thr70Aspfs*50) was detected in trans with a pathogenic variant (PMID: 24183309) - PM3. In summary, the currently available evidence indicates that the variant is pathogenic.

Laboratorio de Genetica e Diagnostico Molecular, Hospital Israelita Albert Einstein
Classification: Likely pathogenic for Aicardi-Goutieres syndrome 4. Last evaluated: 2022-04-14. Review status: criteria provided, single submitter. Criteria: ACMG Guidelines, 2015. Collection method: clinical testing. Allele origin: germline. Affected: yes. Observed: 1 variant allele.
Comment: ACMG classification criteria: PVS1 very strong, PS4 supporting, PM3 supporting

New York Genome Center
Classification: Pathogenic for Aicardi-Goutieres syndrome 4. Last evaluated: 2021-09-10. Review status: criteria provided, single submitter. Criteria: NYGC Assertion Criteria 2020. Collection method: clinical testing. Allele origin: germline. Observed: 1 heterozygote. Study: CSER-NYCKidSeq.

PreventionGenetics, part of Exact Sciences
Classification: Likely pathogenic for RNASEH2A-related condition. Last evaluated: 2024-08-13. Review status: no assertion criteria provided. Collection method: clinical testing. Allele origin: germline. Not counted in ClinVar's aggregate classification.
Comment: The RNASEH2A c.206dupA variant is predicted to result in a frameshift and premature protein termination (p.Thr70Aspfs*50). This variant has been reported in the homozygous state in an individual with Aicardi-Goutieres syndrome and is expected to be causative for disease (Table S3, Rice et al 2013. PubMed ID: 24183309). This variant is reported in 0.16% of alleles in individuals of African descent in gnomAD. Frameshift variants in RNASEH2A are expected to be pathogenic. This variant is interpreted as likely pathogenic.

Clinical Genetics DNA and cytogenetics Diagnostics Lab, Erasmus MC, Erasmus Medical Center
Classification: Likely pathogenic. Review status: no assertion criteria provided. Collection method: clinical testing. Allele origin: germline. Affected: yes. Study: VKGL Data-share Consensus. Not counted in ClinVar's aggregate classification.

Genome Diagnostics Laboratory, Amsterdam University Medical Center
Classification: Likely pathogenic. Review status: no assertion criteria provided. Collection method: clinical testing. Allele origin: germline. Affected: yes. Study: VKGL Data-share Consensus. Not counted in ClinVar's aggregate classification.

Literature cited by the submitters: PubMed 25604658 (cited by Women's Health and Genetics/Laboratory Corporation of America, LabCorp); PubMed 24183309 (cited by 3 submitters); PubMed 21454563 (cited by Labcorp Genetics (formerly Invitae), Labcorp); PubMed 25274781 (cited by Labcorp Genetics (formerly Invitae), Labcorp).